The following is an entry in ClinVar:

NM_001184880.2(PCDH19):c.239T>A (p.Leu80Gln)

Gene: PCDH19 (protocadherin 19; minus strand). Cytogenetic location: Xq22.1.
Variant type: single nucleotide variant.
Coding change: c.239T>A on transcript NM_001184880.2 (MANE Select); coding-DNA position 239, T replaced by A.
Protein change: p.Leu80Gln; replaces leucine 80 with glutamine.
Molecular consequence: missense variant.
Genome position (GRCh38, 1-based): chrX:100,408,359, A>T on the plus strand (T>A on the coding strand, the complement: PCDH19 is on the minus strand). VCF-style: chrX-100408359-A-T. GRCh37 (hg19) VCF-style: chrX-99663357-A-T.
Other names: c.239T>A, p.Leu80Gln (NM_001105243.2, NM_020766.3); short protein forms L80Q.
Identifiers: ClinVar variation 5016883 (VCV005016883.1).

ClinVar aggregate classification (germline): Uncertain significance (1 of 4 stars; one submission).

gnomAD v4.1: 1 of 1,210,098 alleles (0.000083%); highest among the groups gnomAD compares: Admixed American, 0.0022%; no homozygotes.

Submission:

GeneDx
Classification: Uncertain significance. Last evaluated: 2026-03-23. Review status: criteria provided, single submitter. Criteria: GeneDx Variant Classification Process June 2021. Collection method: clinical testing. Allele origin: germline.
Comment: Not observed at significant frequency in large population cohorts (gnomAD); In silico analysis suggests that this missense variant does not alter protein structure/function; Has not been previously published as pathogenic or benign to our knowledge